The following is an entry in ClinVar:

NM_005477.3(HCN4):c.944G>A (p.Arg315His)

Genes: HCN4 (hyperpolarization activated cyclic nucleotide gated potassium channel 4; minus strand), LOC105370890 (uncharacterized LOC105370890; plus strand), LOC126862173 (CDK7 strongly-dependent group 2 enhancer GRCh37_chr15:73635762-73636961; plus strand). Cytogenetic location: 15q24.1.
Variant type: single nucleotide variant.
Coding change: c.944G>A on transcript NM_005477.3 (MANE Select); coding-DNA position 944, G replaced by A.
Protein change: p.Arg315His; replaces arginine 315 with histidine.
Molecular consequence: missense variant.
Genome position (GRCh38, 1-based): chr15:73,343,650, C>T on the plus strand (G>A on the coding strand, the complement: HCN4 is on the minus strand). VCF-style: chr15-73343650-C-T. GRCh37 (hg19) VCF-style: chr15-73635991-C-T.
Other names: c.944G>A (NM_005477.2); short protein forms R315H.
Identifiers: ClinVar variation 1895528 (VCV001895528.7), dbSNP rs759685985, ClinGen allele CA7649397.

ClinVar aggregate classification (germline): Uncertain significance. Review status: criteria provided, multiple submitters, no conflicts (2 of 4 stars). 2 submissions from 2 submitters: Uncertain significance (2). Last evaluated 2025-07-20.

Conditions:
Cardiovascular phenotype. Identifiers: MedGen CN230736.
Brugada syndrome 8 (BRGDA8). Identifiers: Orphanet 130, MedGen C2751083, MONDO:0013148, OMIM 613123.

Allele frequency attached by ClinVar (database versions not stated): ExAC 0.00002.
gnomAD v4.1: 10 of 1,614,106 alleles (0.00062%); highest among the groups gnomAD compares: African/African-American, 0.0013%; no homozygotes.

Submissions (2):

Labcorp Genetics (formerly Invitae), Labcorp
Classification: Uncertain significance for Brugada syndrome 8. Last evaluated: 2025-07-20. Review status: criteria provided, single submitter. Criteria: Invitae Variant Classification Sherloc (09022015). Collection method: clinical testing. Allele origin: germline.
Comment: This sequence change replaces arginine, which is basic and polar, with histidine, which is basic and polar, at codon 315 of the HCN4 protein (p.Arg315His). This variant is present in population databases (rs759685985, gnomAD 0.004%). This variant has not been reported in the literature in individuals affected with HCN4-related conditions. ClinVar contains an entry for this variant (Variation ID: 1895528). Invitae Evidence Modeling of protein sequence and biophysical properties (such as structural, functional, and spatial information, amino acid conservation, physicochemical variation, residue mobility, and thermodynamic stability) has been performed for this missense variant. However, the output from this modeling did not meet the statistical confidence thresholds required to predict the impact of this variant on HCN4 protein function. In summary, the available evidence is currently insufficient to determine the role of this variant in disease. Therefore, it has been classified as a Variant of Uncertain Significance.

Ambry Genetics
Classification: Uncertain significance for Cardiovascular phenotype. Last evaluated: 2025-03-26. Review status: criteria provided, single submitter. Criteria: Ambry Variant Classification Scheme 2023. Collection method: clinical testing. Allele origin: germline.